The following is an entry in ClinVar:

ClinVar aggregate classification (germline): Uncertain significance. Review status: criteria provided, multiple submitters, no conflicts (2 of 4 stars). 3 submissions from 3 submitters: Uncertain significance (3). Last evaluated 2024-10-03.

Conditions:
Inborn genetic diseases. Identifiers: MedGen C0950123, MeSH D030342.

Allele frequency attached by ClinVar (database versions not stated): ExAC 0.00008; gnomAD 0.00009; TOPMed 0.00009; ESP Exome Variant Server 0.00016.
gnomAD v4.1: 22 of 1,479,096 alleles (0.0015%); highest among the groups gnomAD compares: African/African-American, 0.031%; no homozygotes.

Submissions (3):

Ambry Genetics
Classification: Uncertain significance for Inborn genetic diseases. Last evaluated: 2024-10-03. Review status: criteria provided, single submitter. Criteria: Ambry Variant Classification Scheme 2023. Collection method: clinical testing. Allele origin: germline.

Labcorp Genetics (formerly Invitae), Labcorp
Classification: Uncertain significance. Last evaluated: 2022-07-06. Review status: criteria provided, single submitter. Criteria: Invitae Variant Classification Sherloc (09022015). Collection method: clinical testing. Allele origin: germline.
Comment: In summary, the available evidence is currently insufficient to determine the role of this variant in disease. Therefore, it has been classified as a Variant of Uncertain Significance. Experimental studies and prediction algorithms are not available or were not evaluated, and the functional significance of this variant is currently unknown. ClinVar contains an entry for this variant (Variation ID: 1016558). This variant has not been reported in the literature in individuals affected with REEP6-related conditions. This variant is present in population databases (rs139331241, gnomAD 0.02%). This sequence change replaces glutamic acid, which is acidic and polar, with valine, which is neutral and non-polar, at codon 26 of the REEP6 protein (p.Glu26Val).

Blueprint Genetics
Classification: Uncertain significance. Last evaluated: 2019-10-22. Review status: criteria provided, single submitter. Criteria: ACMG Guidelines, 2015. Collection method: clinical testing. Allele origin: germline.

NM_138393.4(REEP6):c.77A>T (p.Glu26Val)

Genes: REEP6 (receptor accessory protein 6; plus strand), LOC130062963 (ATAC-STARR-seq lymphoblastoid silent region 9724; plus strand). Cytogenetic location: 19p13.3.
Variant type: single nucleotide variant.
Coding change: c.77A>T on transcript NM_138393.4 (MANE Select); coding-DNA position 77, A replaced by T.
Protein change: p.Glu26Val; replaces glutamic acid 26 with valine.
Molecular consequence: missense variant.
Genome position (GRCh38, 1-based): chr19:1,491,346, A>T. VCF-style: chr19-1491346-A-T. GRCh37 (hg19) VCF-style: chr19-1491345-A-T.
Other names: c.77A>T, p.Glu26Val (NM_001329556.3); c.77A>T (NM_138393.1); short protein forms E26V.
Identifiers: ClinVar variation 1016558 (VCV001016558.9), dbSNP rs139331241, ClinGen allele CA9047377.